The following is an entry in ClinVar:

NM_001370466.1(NOD2):c.1325T>G (p.Leu442Arg)

Gene: NOD2 (nucleotide binding oligomerization domain containing 2; plus strand). Cytogenetic location: 16q12.1.
Variant type: single nucleotide variant.
Coding change: c.1325T>G on transcript NM_001370466.1 (MANE Select); coding-DNA position 1325, T replaced by G.
Protein change: p.Leu442Arg; replaces leucine 442 with arginine.
Molecular consequence: missense variant. On other transcripts: non-coding transcript variant (1).
Genome position (GRCh38, 1-based): chr16:50,711,317, T>G. VCF-style: chr16-50711317-T-G. GRCh37 (hg19) VCF-style: chr16-50745228-T-G.
Other names: c.1325T>G, p.Leu442Arg (NM_001293557.2); c.1406T>G, p.Leu469Arg (NM_022162.3); short protein forms L442R, L469R.
Identifiers: ClinVar variation 4789796 (VCV004789796.1).
Genomic context (GRCh38, chr16:50,711,317, plus strand): 5'-AACAGGGCATCGAGCTGTACCTGAGGAAGCGCCATCATGAGCCCGGGGTGGCGGACCGCC[T>G]CATCCGCCTGCTCCAAGAGACCTCAGCCCTGCACGGTTTGTGCCACCTGCCTGTCTTCTC-3'
Protein context (NP_001357395.1, residues 432-452): RHHEPGVADR[Leu442Arg]IRLLQETSAL

ClinVar aggregate classification (germline): Uncertain significance (1 of 4 stars; one submission).

Conditions:
Regional enteritis. Also called: Enteritis, Granulomatous. Identifiers: MedGen C0678202, MeSH D003424.
Blau syndrome (BLAUS). Also called: ARTHROCUTANEOUVEAL GRANULOMATOSIS; GRANULOMATOSIS, FAMILIAL JUVENILE SYSTEMIC; GRANULOMATOSIS, FAMILIAL, BLAU TYPE; GRANULOMATOUS INFLAMMATORY ARTHRITIS, DERMATITIS, AND UVEITIS, FAMILIAL; JABS SYNDROME. Identifiers: Orphanet 90340, MedGen C5201146, MONDO:0008523, OMIM 186580.

gnomAD v4.1: 2 of 1,613,684 alleles (0.00012%); highest among the groups gnomAD compares: Non-Finnish European, 0.00017%; no homozygotes.

Submission:

Labcorp Genetics (formerly Invitae), Labcorp
Classification: Uncertain significance for Regional enteritis; Blau syndrome. Last evaluated: 2025-04-11. Review status: criteria provided, single submitter. Criteria: Invitae Variant Classification Sherloc (09022015). Collection method: clinical testing. Allele origin: germline.
Comment: This sequence change replaces leucine, which is neutral and non-polar, with arginine, which is basic and polar, at codon 469 of the NOD2 protein (p.Leu469Arg). This variant is not present in population databases (gnomAD no frequency). This variant has not been reported in the literature in individuals affected with NOD2-related conditions. Invitae Evidence Modeling of protein sequence and biophysical properties (such as structural, functional, and spatial information, amino acid conservation, physicochemical variation, residue mobility, and thermodynamic stability) has been performed for this missense variant. However, the output from this modeling did not meet the statistical confidence thresholds required to predict the impact of this variant on NOD2 protein function. In summary, the available evidence is currently insufficient to determine the role of this variant in disease. Therefore, it has been classified as a Variant of Uncertain Significance.